The following is an entry in ClinVar:

ClinVar aggregate classification (germline): Pathogenic (1 of 4 stars; one submission).

Conditions:
Polycystic kidney disease 4 (PKD4). Also called: POLYCYSTIC KIDNEY AND HEPATIC DISEASE 1; POLYCYSTIC KIDNEY DISEASE, INFANTILE, TYPE I; POLYCYSTIC KIDNEY DISEASE 4 WITH OR WITHOUT POLYCYSTIC LIVER DISEASE; PKD3; Autosomal Recessive Polycystic Kidney Disease – PKHD1. Identifiers: MedGen C4540575, MONDO:0033004, OMIM 263200.

Submission:

Myriad Genetics, Inc.
Classification: Pathogenic for Polycystic kidney disease 4. Last evaluated: 2024-03-16. Review status: criteria provided, single submitter. Criteria: Myriad Autosomal Dominant, Autosomal Recessive and X-Linked Classification Criteria (2023). Collection method: clinical testing. Allele origin: unknown.
Comment: NM_138694.3(PKHD1):c.7777delA(S2593Afs*74) is expected to be pathogenic in the context of autosomal recessive polycystic kidney disease, PKHD1-related. This variant is predicted to lead to an abnormal or absent protein product due to the creation of a premature termination codon in PKHD1, a gene where loss-of-function variants are known to be pathogenic. Please note: this variant was assessed in the context of healthy population screening.

NM_138694.4(PKHD1):c.7777del (p.Ser2593fs)

Gene: PKHD1 (PKHD1 ciliary IPT domain containing fibrocystin/polyductin; minus strand). Cytogenetic location: 6p12.2.
Variant type: Deletion.
Coding change: c.7777del on transcript NM_138694.4 (MANE Select); coding-DNA position 7777, one base deleted (A; older notation c.7777delA).
Protein change: p.Ser2593fs; shifts the reading frame from serine 2593.
Molecular consequence: frameshift variant.
Genome position (GRCh38, 1-based): chr6:51,856,027, T deleted on the plus strand (A on the coding strand, the reverse complement: PKHD1 is on the minus strand). VCF-style (leftmost placement, unchanged base first): chr6-51856026-CT-C. GRCh37 (hg19) VCF-style: chr6-51720824-CT-C.
Other names: c.7777del, p.Ser2593fs (NM_170724.3); short protein forms S2593fs.
Identifiers: ClinVar variation 5010585 (VCV005010585.1).